The following is an entry in ClinVar:

NM_001040108.2(MLH3):c.715A>G (p.Ile239Val)

Gene: MLH3 (mutL homolog 3; minus strand). Cytogenetic location: 14q24.3.
Variant type: single nucleotide variant.
Coding change: c.715A>G on transcript NM_001040108.2 (MANE Select); coding-DNA position 715, A replaced by G.
Protein change: p.Ile239Val; replaces isoleucine 239 with valine.
Molecular consequence: missense variant.
Genome position (GRCh38, 1-based): chr14:75,048,941, T>C on the plus strand (A>G on the coding strand, the complement: MLH3 is on the minus strand). VCF-style: chr14-75048941-T-C. GRCh37 (hg19) VCF-style: chr14-75515644-T-C.
Other names: c.715A>G, p.Ile239Val (NM_014381.3); short protein forms I239V.
Identifiers: ClinVar variation 853843 (VCV000853843.12), dbSNP rs568118559, ClinGen allele CA7275978.
Genomic context (GRCh38, chr14:75,048,941, plus strand): 5'-CTAGTCTTTTGTTCACAAACAAAAACTGCATATTCTTGTTGTAATGTGCTTCAGAGCTGA[T>C]ATAGCCACTAAGCTCAAACTCTTTATATTTAAAACTTATTTCTCTTAGCTTTTGGGACTT-3'
Protein context (NP_001035197.1, residues 229-249): KYKEFELSGY[Ile239Val]SSEAHYNKNM

ClinVar aggregate classification (germline): Uncertain significance. Review status: criteria provided, multiple submitters, no conflicts (2 of 4 stars). 2 submissions from 2 submitters: Uncertain significance (2). Last evaluated 2025-10-14.

Conditions:
Colorectal cancer, hereditary nonpolyposis, type 7. Identifiers: Orphanet 144, MedGen C1858380, MONDO:0013725, OMIM 614385.

Allele frequency attached by ClinVar (database versions not stated): gnomAD below 0.00001 and 0.00005; gnomAD exomes 0.00003; ExAC 0.00004; 1000 Genomes Project 0.00040; 1000 Genomes Project 30x 0.00078.

Submissions (2):

Labcorp Genetics (formerly Invitae), Labcorp
Classification: Uncertain significance for Colorectal cancer, hereditary nonpolyposis, type 7. Last evaluated: 2025-10-14. Review status: criteria provided, single submitter. Criteria: Invitae Variant Classification Sherloc (09022015). Collection method: clinical testing. Allele origin: germline.
Comment: This sequence change replaces isoleucine, which is neutral and non-polar, with valine, which is neutral and non-polar, at codon 239 of the MLH3 protein (p.Ile239Val). This variant is present in population databases (rs568118559, gnomAD 0.02%). This variant has not been reported in the literature in individuals affected with MLH3-related conditions. ClinVar contains an entry for this variant (Variation ID: 853843). An algorithm developed to predict the effect of missense changes on protein structure and function outputs the following: PolyPhen-2: "Benign". The valine amino acid residue is found in multiple mammalian species, which suggests that this missense change does not adversely affect protein function. In summary, the available evidence is currently insufficient to determine the role of this variant in disease. Therefore, it has been classified as a Variant of Uncertain Significance.

Ambry Genetics
Classification: Uncertain significance. Last evaluated: 2025-05-01. Review status: criteria provided, single submitter. Criteria: Ambry Variant Classification Scheme 2023. Collection method: clinical testing. Allele origin: germline.
Comment: The p.I239V variant (also known as c.715A>G), located in coding exon 1 of the MLH3 gene, results from an A to G substitution at nucleotide position 715. The isoleucine at codon 239 is replaced by valine, an amino acid with highly similar properties. This amino acid position is well conserved in available vertebrate species; however, valine is the reference amino acid in other vertebrate species. In addition, this alteration is predicted to be tolerated by in silico analysis. The evidence for this gene-disease relationship is limited; therefore, the clinical significance of this alteration is unclear.